The following is an entry in ClinVar:

NM_001267550.2(TTN):c.14188C>T (p.Arg4730Trp)

Gene: TTN (titin; minus strand). Cytogenetic location: 2q31.2.
Variant type: single nucleotide variant.
Coding change: c.14188C>T on transcript NM_001267550.2 (MANE Select); coding-DNA position 14188, C replaced by T.
Protein change: p.Arg4730Trp; replaces arginine 4730 with tryptophan.
Molecular consequence: missense variant.
Genome position (GRCh38, 1-based): chr2:178,738,265, G>A on the plus strand (C>T on the coding strand, the complement: TTN is on the minus strand). VCF-style: chr2-178738265-G-A. GRCh37 (hg19) VCF-style: chr2-179602992-G-A.
Other names: c.13237C>T, p.Arg4413Trp (NM_001256850.1); c.13099C>T, p.Arg4367Trp (NM_003319.4); c.10456C>T, p.Arg3486Trp (NM_133378.4); c.13474C>T, p.Arg4492Trp (NM_133432.3); c.13675C>T, p.Arg4559Trp (NM_133437.4); short protein forms R4413W, R4367W, R4492W, R4559W, R4730W, R3486W.
Identifiers: ClinVar variation 1769587 (VCV001769587.5), dbSNP rs749719834, ClinGen allele CA2002449.

ClinVar aggregate classification (germline): Uncertain significance. Review status: criteria provided, multiple submitters, no conflicts (2 of 4 stars). 2 submissions from 2 submitters: Uncertain significance (2). Last evaluated 2021-02-15.

Conditions:
Cardiovascular phenotype. Identifiers: MedGen CN230736.

Allele frequency attached by ClinVar (database versions not stated): gnomAD exomes 0.00001; gnomAD 0.00002; ExAC 0.00003; TOPMed 0.00004.
gnomAD v4.1: 14 of 1,613,432 alleles (0.00087%); highest among the groups gnomAD compares: African/African-American, 0.004%; no homozygotes.

Submissions (2):

Revvity Omics, Revvity
Classification: Uncertain significance. Last evaluated: 2021-02-15. Review status: criteria provided, single submitter. Criteria: ACMG Guidelines, 2015. Collection method: clinical testing. Allele origin: germline.

Ambry Genetics
Classification: Uncertain significance for Cardiovascular phenotype. Last evaluated: 2020-09-10. Review status: criteria provided, single submitter. Criteria: Ambry Variant Classification Scheme 2023. Collection method: clinical testing. Allele origin: germline.
Comment: The p.R4367W variant (also known as c.13099C>T), located in coding exon 45 of the TTN gene, results from a C to T substitution at nucleotide position 13099. The arginine at codon 4367 is replaced by tryptophan, an amino acid with dissimilar properties. This amino acid position is not well conserved in available vertebrate species. In addition, the in silico prediction for this alteration is inconclusive. Since supporting evidence is limited at this time, the clinical significance of this alteration remains unclear.